The following is an entry in ClinVar:

ClinVar aggregate classification (germline): Uncertain significance. Review status: criteria provided, multiple submitters, no conflicts (2 of 4 stars). 3 submissions from 3 submitters: Uncertain significance (3). Last evaluated 2025-11-27.

Conditions:
Progressive external ophthalmoplegia with mitochondrial DNA deletions, autosomal recessive 1 (PEOB1). Also called: Progressive external ophthalmoplegia, autosomal recessive 1; Autosomal Recessive Progressive External Ophthalmoplegia (arPEO). Identifiers: Orphanet 254886, MedGen C4225153, MONDO:0009783, OMIM 258450.
Progressive sclerosing poliodystrophy (MTDPS4A). Also called: Mitochondrial DNA depletion syndrome 4A (Alpers type); Alpers Syndrome; ALPERS DIFFUSE DEGENERATION OF CEREBRAL GRAY MATTER WITH HEPATIC CIRRHOSIS; Mitochondrial DNA Depletion Syndrome 4A; Alpers-Huttenlocher Syndrome (AHS); ALPERS PROGRESSIVE INFANTILE POLIODYSTROPHY. Identifiers: Orphanet 726, MedGen C0205710, MONDO:0008758, OMIM 203700.

Allele frequency attached by ClinVar (database versions not stated): TOPMed below 0.00001; gnomAD exomes 0.00001.
gnomAD v4.1: 39 of 1,614,200 alleles (0.0024%); highest among the groups gnomAD compares: Non-Finnish European, 0.0032%; no homozygotes.

Submissions (3):

Labcorp Genetics (formerly Invitae), Labcorp
Classification: Uncertain significance for Progressive sclerosing poliodystrophy. Last evaluated: 2025-11-27. Review status: criteria provided, single submitter. Criteria: Invitae Variant Classification Sherloc (09022015). Collection method: clinical testing. Allele origin: germline.
Comment: This sequence change replaces aspartic acid, which is acidic and polar, with tyrosine, which is neutral and polar, at codon 1013 of the POLG protein (p.Asp1013Tyr). This variant is present in population databases (no rsID available, gnomAD 0.006%). This variant has not been reported in the literature in individuals affected with POLG-related conditions. ClinVar contains an entry for this variant (Variation ID: 432740). Invitae Evidence Modeling of protein sequence and biophysical properties (such as structural, functional, and spatial information, amino acid conservation, physicochemical variation, residue mobility, and thermodynamic stability) indicates that this missense variant is expected to disrupt POLG protein function with a positive predictive value of 95%. In summary, the available evidence is currently insufficient to determine the role of this variant in disease. Therefore, it has been classified as a Variant of Uncertain Significance.

Baylor Genetics
Classification: Uncertain significance for Progressive external ophthalmoplegia with mitochondrial DNA deletions, autosomal recessive 1. Last evaluated: 2020-12-11. Review status: criteria provided, single submitter. Criteria: ACMG Guidelines, 2015. Collection method: clinical testing. Allele origin: unknown. Affected: yes.
Comment: This variant was determined to be of uncertain significance according to ACMG Guidelines, 2015 [PMID:25741868].

GeneDx
Classification: Uncertain significance. Last evaluated: 2017-06-06. Review status: criteria provided, single submitter. Criteria: GeneDx Variant Classification (06012015). Collection method: clinical testing. Allele origin: germline. Affected: yes.
Comment: A variant of uncertain significance has been identified in the POLG gene. The D1013Y variant has not been published as a pathogenic variant, nor has it been reported as a benign variant to our knowledge. The D1013Y variant is not observed in large population cohorts (Lek et al., 2016; 1000 Genomes Consortium et al., 2015; Exome Variant Server). The D1013Y variant is a non-conservative amino acid substitution, which is likely to impact secondary protein structure as these residues differ in polarity, charge, size and/or other properties. This substitution occurs at a position that is not conserved. In silico analysis is inconsistent in its predictions as to whether or not the variant is damaging to the protein structure/function. Therefore, based on the currently available information, it is unclear whether this variant is a pathogenic variant or a rare benign variant.

NM_002693.3(POLG):c.3037G>T (p.Asp1013Tyr)

Gene: POLG (DNA polymerase gamma, catalytic subunit; minus strand). Cytogenetic location: 15q26.1.
Variant type: single nucleotide variant.
Coding change: c.3037G>T on transcript NM_002693.3 (MANE Select); coding-DNA position 3037, G replaced by T.
Protein change: p.Asp1013Tyr; replaces aspartic acid 1013 with tyrosine.
Molecular consequence: missense variant.
Genome position (GRCh38, 1-based): chr15:89,319,295, C>A on the plus strand (G>T on the coding strand, the complement: POLG is on the minus strand). VCF-style: chr15-89319295-C-A. GRCh37 (hg19) VCF-style: chr15-89862526-C-A.
Other names: c.3037G>T, p.Asp1013Tyr (NM_001126131.2); short protein forms D1013Y.
Identifiers: ClinVar variation 432740 (VCV000432740.10), dbSNP rs1307399071, ClinGen allele CA393751388.
Genomic context (GRCh38, chr15:89,319,295, plus strand): 5'-CAGTTTCTCTCTGGACCTTGCGCAGATCCTGCAGGGAAATCCAGCCACCCTCAGTCCTGT[C>A]CACTGGGAGGTTCAACTCCCTCACCAGCCACTCGCCCTCATCCGACAGCCGATACCTGGG-3'
Protein context (NP_002684.1, residues 1003-1023): WLVRELNLPV[Asp1013Tyr]RTEGGWISLQ